The following is an entry in ClinVar:

NM_004963.4(GUCY2C):c.166G>T (p.Asp56Tyr)

Genes: GUCY2C (guanylate cyclase 2C; minus strand), GUCY2C-AS1 (GUCY2C antisense RNA 1; plus strand). Cytogenetic location: 12p12.3.
Variant type: single nucleotide variant.
Coding change: c.166G>T on transcript NM_004963.4 (MANE Select); coding-DNA position 166, G replaced by T.
Protein change: p.Asp56Tyr; replaces aspartic acid 56 with tyrosine.
Molecular consequence: missense variant.
Genome position (GRCh38, 1-based): chr12:14,696,283, C>A on the plus strand (G>T on the coding strand, the complement: GUCY2C is on the minus strand). VCF-style: chr12-14696283-C-A. GRCh37 (hg19) VCF-style: chr12-14849217-C-A.
Other names: short protein forms D56Y.
Identifiers: ClinVar variation 1494318 (VCV001494318.8), dbSNP rs2137120342, ClinGen allele CA384008907.
Genomic context (GRCh38, chr12:14,696,283, plus strand): 5'-TTTTCTTACCAGCATTTTGCAGACGTCCTCTCACTATTTCCAGCCCCTCATTCACCGCAT[C>A]TTCCAAGTTTTTCAGGGGCTCTGCAAAGGCTGAGTTGCCCATCATCAGGACGCTGATTTC-3'
Protein context (NP_004954.2, residues 46-66): AFAEPLKNLE[Asp56Tyr]AVNEGLEIVR

ClinVar aggregate classification (germline): Uncertain significance (1 of 4 stars; one submission).

Submission:

Labcorp Genetics (formerly Invitae), Labcorp
Classification: Uncertain significance. Last evaluated: 2022-08-09. Review status: criteria provided, single submitter. Criteria: Invitae Variant Classification Sherloc (09022015). Collection method: clinical testing. Allele origin: germline.
Comment: ClinVar contains an entry for this variant (Variation ID: 1494318). In summary, the available evidence is currently insufficient to determine the role of this variant in disease. Therefore, it has been classified as a Variant of Uncertain Significance. Algorithms developed to predict the effect of missense changes on protein structure and function are either unavailable or do not agree on the potential impact of this missense change (SIFT: "Deleterious"; PolyPhen-2: "Benign"; Align-GVGD: "Class C0"). This variant has not been reported in the literature in individuals affected with GUCY2C-related conditions. This variant is not present in population databases (gnomAD no frequency). This sequence change replaces aspartic acid, which is acidic and polar, with tyrosine, which is neutral and polar, at codon 56 of the GUCY2C protein (p.Asp56Tyr).